The following is an entry in ClinVar:

NM_022915.5(MRPL44):c.467T>C (p.Leu156Pro)

Gene: MRPL44 (mitochondrial ribosomal protein L44; plus strand). Cytogenetic location: 2q36.1.
Variant type: single nucleotide variant.
Coding change: c.467T>C on transcript NM_022915.5 (MANE Select); coding-DNA position 467, T replaced by C.
Protein change: p.Leu156Pro; replaces leucine 156 with proline.
Molecular consequence: missense variant.
Genome position (GRCh38, 1-based): chr2:223,959,821, T>C. VCF-style: chr2-223959821-T-C. GRCh37 (hg19) VCF-style: chr2-224824538-T-C.
Other names: short protein forms L156P.
Identifiers: ClinVar variation 1251974 (VCV001251974.9), dbSNP rs143697995, ClinGen allele CA2139052.

ClinVar aggregate classification (germline): Conflicting classifications of pathogenicity. Review status: criteria provided, conflicting classifications (1 of 4 stars). 3 submissions from 3 submitters: Likely pathogenic (1); Uncertain significance (1). 1 of the submissions does not count toward it. Last evaluated 2024-10-21.

Conditions:
MRPL44-related disorders.
Infantile hypertrophic cardiomyopathy due to MRPL44 deficiency. Also called: Combined oxidative phosphorylation deficiency 16. Identifiers: Orphanet 352563, MedGen C3809339, MONDO:0014162, OMIM 615395.

Submissions (3):

Blueprint Genetics
Classification: Likely pathogenic for MRPL44-related disorders. Last evaluated: 2024-10-21. Review status: criteria provided, single submitter. Criteria: ACMG Guidelines, 2015. Collection method: clinical testing. Allele origin: germline. Affected: yes. Observed: 5 variant alleles.

Labcorp Genetics (formerly Invitae), Labcorp
Classification: Uncertain significance. Last evaluated: 2021-06-02. Review status: criteria provided, single submitter. Criteria: Invitae Variant Classification Sherloc (09022015). Collection method: clinical testing. Allele origin: germline.
Comment: In summary, the available evidence is currently insufficient to determine the role of this variant in disease. Therefore, it has been classified as a Variant of Uncertain Significance. This variant disrupts the p.Leu156 amino acid residue in MRPL44. Other variant(s) that disrupt this residue have been determined to be pathogenic (PMID: 23315540, 25797485). This suggests that this residue is clinically significant, and that variants that disrupt this residue are likely to be disease-causing. Algorithms developed to predict the effect of missense changes on protein structure and function are either unavailable or do not agree on the potential impact of this missense change (SIFT: "Deleterious"; PolyPhen-2: "Probably Damaging"; Align-GVGD: "Class C0"). This variant has not been reported in the literature in individuals with MRPL44-related conditions. This variant is present in population databases (rs143697995, ExAC 0.01%). This sequence change replaces leucine with proline at codon 156 of the MRPL44 protein (p.Leu156Pro). The leucine residue is moderately conserved and there is a moderate physicochemical difference between leucine and proline.

OMIM
Classification: Pathogenic for COMBINED OXIDATIVE PHOSPHORYLATION DEFICIENCY 16. Last evaluated: 2021-09-13. Review status: no assertion criteria provided. Collection method: literature only. Allele origin: germline. Not counted in ClinVar's aggregate classification.

Literature cited by the submitters: PubMed 23315540 (cited by Labcorp Genetics (formerly Invitae), Labcorp); PubMed 25797485 (cited by Labcorp Genetics (formerly Invitae), Labcorp); PubMed 34140213 (cited by OMIM).